The following is an entry in ClinVar:

NM_002049.4(GATA1):c.1201C>A (p.Pro401Thr)

Gene: GATA1 (GATA binding protein 1; plus strand). Cytogenetic location: Xp11.23.
Variant type: single nucleotide variant.
Coding change: c.1201C>A on transcript NM_002049.4 (MANE Select); coding-DNA position 1201, C replaced by A.
Protein change: p.Pro401Thr; replaces proline 401 with threonine.
Molecular consequence: missense variant.
Genome position (GRCh38, 1-based): chrX:48,794,123, C>A. VCF-style: chrX-48794123-C-A. GRCh37 (hg19) VCF-style: chrX-48652530-C-A.
Other names: short protein forms P401T.
Identifiers: ClinVar variation 2941994 (VCV002941994.3), dbSNP rs2519347010, ClinGen allele CA412872618.
Genomic context (GRCh38, chrX:48,794,123, plus strand): 5'-CCTTTCCCTGGACCCCTACTGGGCTCACCCACGGGCTCCTTCCCCACAGGCCCCATGCCC[C>A]CCACCACCAGCACTACTGTGGTGGCTCCGCTCAGCTCATGAGGGCACAGAGCATGGCCTC-3'
Protein context (NP_002040.1, residues 391-411): TGSFPTGPMP[Pro401Thr]TTSTTVVAPL

ClinVar aggregate classification (germline): Uncertain significance (1 of 4 stars; one submission).

Conditions:
Diamond-Blackfan anemia. Also called: Blackfan Diamond syndrome; Aregenerative anemia chronic congenital; Red cell aplasia, pure hereditary; Congenital hypoplastic anemia; Aase syndrome. Identifiers: Orphanet 124, MedGen C1260899, MeSH D029503, MONDO:0015253, HP:0004810.
GATA binding protein 1 related thrombocytopenia with dyserythropoiesis. Also called: GATA1-Related Cytopenia; GATA1-Related X-Linked Cytopenia. Identifiers: MedGen C1845837, MONDO:0100089.

Submission:

Labcorp Genetics (formerly Invitae), Labcorp
Classification: Uncertain significance for GATA binding protein 1 related thrombocytopenia with dyserythropoiesis; Diamond-Blackfan anemia. Last evaluated: 2022-12-02. Review status: criteria provided, single submitter. Criteria: Invitae Variant Classification Sherloc (09022015). Collection method: clinical testing. Allele origin: germline.
Comment: In summary, the available evidence is currently insufficient to determine the role of this variant in disease. Therefore, it has been classified as a Variant of Uncertain Significance. This sequence change replaces proline, which is neutral and non-polar, with threonine, which is neutral and polar, at codon 401 of the GATA1 protein (p.Pro401Thr). This variant is not present in population databases (gnomAD no frequency). This variant has not been reported in the literature in individuals affected with GATA1-related conditions. Algorithms developed to predict the effect of missense changes on protein structure and function output the following: SIFT: "Tolerated"; PolyPhen-2: "Benign"; Align-GVGD: "Class C0". The threonine amino acid residue is found in multiple mammalian species, which suggests that this missense change does not adversely affect protein function.